The following is an entry in ClinVar:

ClinVar aggregate classification (germline): Uncertain significance (1 of 4 stars; one submission).

Submission:

GeneDx
Classification: Uncertain significance. Last evaluated: 2016-12-22. Review status: criteria provided, single submitter. Criteria: GeneDx Variant Classification (06012015). Collection method: clinical testing. Allele origin: germline. Affected: yes.
Comment: A variant of uncertain significance has been identified in the DSP gene. The G2016V variant has not been published as a pathogenic variant, nor has it been reported as a benign variant to our knowledge. This variant was not observed in approximately 6,500 individuals of European and African American ancestry in the NHLBI Exome Sequencing Project, indicating it is not a common benign variant in these populations. While this substitution occurs at a position where only amino acids with similar properties to Glycine are tolerated across species, G2016V is a conservative amino acid substitution, which is not likely to impact secondary protein structure as these residues share similar properties. Nevertheless, in silico analysis predicts this variant is probably damaging to the protein structure/function.Therefore, based on the currently available information, it is unclear whether this variant is pathogenic or rare benign.

NM_004415.4(DSP):c.6047G>T (p.Gly2016Val)

Gene: DSP (desmoplakin; plus strand). Cytogenetic location: 6p24.3.
Variant type: single nucleotide variant.
Coding change: c.6047G>T on transcript NM_004415.4 (MANE Select); coding-DNA position 6047, G replaced by T.
Protein change: p.Gly2016Val; replaces glycine 2016 with valine.
Molecular consequence: missense variant.
Genome position (GRCh38, 1-based): chr6:7,583,309, G>T. VCF-style: chr6-7583309-G-T. GRCh37 (hg19) VCF-style: chr6-7583542-G-T.
Other names: c.6047G>T (LRG_423t1); c.4250G>T, p.Gly1417Val (NM_001008844.3); c.4718G>T, p.Gly1573Val (NM_001319034.2); short protein forms G2016V, G1573V, G1417V.
Identifiers: ClinVar variation 392151 (VCV000392151.2), dbSNP rs771165835, ClinGen allele CA16605594.